The following is an entry in ClinVar:

ClinVar aggregate classification (germline): Uncertain significance. Review status: criteria provided, multiple submitters, no conflicts (2 of 4 stars). 2 submissions from 2 submitters: Uncertain significance (2). Last evaluated 2022-07-21.

Conditions:
Neurodevelopmental disorder with dystonia and seizures (NEDDS). Identifiers: MedGen C5677004, MONDO:0859258, OMIM 619922.
Dystonia 35, childhood-onset (DYT35). Identifiers: MedGen C5677003, MONDO:0030958, OMIM 619921.

Allele frequency attached by ClinVar (database versions not stated): gnomAD exomes below 0.00001.

Submissions (2):

GeneDx
Classification: Uncertain significance. Last evaluated: 2022-07-21. Review status: criteria provided, single submitter. Criteria: GeneDx Variant Classification Process June 2021. Collection method: clinical testing. Allele origin: germline. Affected: yes.
Comment: Not observed at significant frequency in large population cohorts (gnomAD); Frameshift variant predicted to result in protein truncation or nonsense mediated decay in a gene or region of a gene for which loss of function is not a well-established mechanism of disease; Has not been previously published as pathogenic or benign to our knowledge

Juno Genomics, Hangzhou Juno Genomics, Inc
Classification: Uncertain significance for Dystonia 35, childhood-onset; Neurodevelopmental disorder with dystonia and seizures. Review status: criteria provided, single submitter. Criteria: ACMG Guidelines, 2015. Collection method: clinical testing. Allele origin: germline.
Comment: Absent from controls (or at extremely low frequency if recessive) in Genome Aggregation Database.

NM_018130.3(SHQ1):c.114dup (p.Lys39fs)

Gene: SHQ1 (SHQ1, H/ACA ribonucleoprotein assembly factor; minus strand). Cytogenetic location: 3p13.
Variant type: Duplication.
Coding change: c.114dup on transcript NM_018130.3 (MANE Select); coding-DNA position 114, one base duplicated (C; older notation c.114dupC).
Protein change: p.Lys39fs; shifts the reading frame from lysine 39.
Molecular consequence: frameshift variant.
Genome position (GRCh38, 1-based): chr3:72,848,227, G duplicated on the plus strand (C on the coding strand, the reverse complement: SHQ1 is on the minus strand). VCF-style (leftmost placement, unchanged base first): chr3-72848226-T-TG. GRCh37 (hg19) VCF-style: chr3-72897377-T-TG.
Other names: short protein forms K39fs.
Identifiers: ClinVar variation 2136259 (VCV002136259.3), dbSNP rs1372870916, ClinGen allele CA543589178.
Genomic context (GRCh38, chr3:72,848,226, plus strand): 5'-GCCTTTCCTGCGGCCAGGCACCCCGAACTCGCCTGAGAAAGTATGGCTTGGCGTAGAACT[T>TG]GAAGTCAGACCCCTCGAAGTAGACGTCGAACTCGGAGACCCGGGCGTAGGGCACGCGGAT-3'